The following is an entry in ClinVar:

ClinVar aggregate classification (germline): Likely benign. Review status: criteria provided, single submitter (1 of 4 stars). 2 submissions from 2 submitters: Likely benign (1). 1 of the submissions does not count toward it. Last evaluated 2024-10-28.

Conditions:
IFT43-related disorder. Also called: IFT43-related condition.

Allele frequency attached by ClinVar (database versions not stated): ESP Exome Variant Server 0.00008; TOPMed 0.00066; gnomAD 0.00079; ExAC 0.00094; 1000 Genomes Project 30x 0.00234; 1000 Genomes Project 0.00260.
gnomAD v4.1: 582 of 1,613,958 alleles (0.036%); highest among the groups gnomAD compares: East Asian, 0.97%; 4 homozygotes.

Submissions (2):

Blueprint Genetics
Classification: Likely benign. Last evaluated: 2024-10-28. Review status: criteria provided, single submitter. Criteria: ACMG Guidelines, 2015. Collection method: clinical testing. Allele origin: germline.

PreventionGenetics, part of Exact Sciences
Classification: Benign for IFT43-related condition. Last evaluated: 2019-03-15. Review status: no assertion criteria provided. Collection method: clinical testing. Allele origin: germline. Not counted in ClinVar's aggregate classification.
Comment: This variant is classified as benign based on ACMG/AMP sequence variant interpretation guidelines (Richards et al. 2015 PMID: 25741868, with internal and published modifications).

NM_001102564.3(IFT43):c.254G>A (p.Arg85His)

Gene: IFT43 (intraflagellar transport 43; plus strand). Cytogenetic location: 14q24.3.
Variant type: single nucleotide variant.
Coding change: c.254G>A on transcript NM_001102564.3 (MANE Select); coding-DNA position 254, G replaced by A.
Protein change: p.Arg85His; replaces arginine 85 with histidine.
Molecular consequence: missense variant. On other transcripts: non-coding transcript variant (1), intron variant (1).
Genome position (GRCh38, 1-based): chr14:76,059,332, G>A. VCF-style: chr14-76059332-G-A. GRCh37 (hg19) VCF-style: chr14-76525675-G-A.
Other names: c.216-17265G>A (NM_052873.3); short protein forms R85H.
Identifiers: ClinVar variation 3052484 (VCV003052484.3), dbSNP rs2302858, ClinGen allele CA7280761.
Genomic context (GRCh38, chr14:76,059,332, plus strand): 5'-CTTTCCGTGTTTGAAACTCATTTTTTGCTGTCCTTTTCTTCTTTTTTGGGGGCAGTTTCC[G>A]CCTCAGACCACAGAGCCTGAATGGATCAGATTATGGAGGAGGTAAGAGGCCCTTGGAGGA-3'
Protein context (NP_001096034.1, residues 75-95): RKASEEIEDF[Arg85His]LRPQSLNGSD